The following is an entry in ClinVar:

NM_015294.6(TRIM37):c.861-32_861-25del

Gene: TRIM37 (tripartite motif containing 37; minus strand). Cytogenetic location: 17q22.
Variant type: Deletion.
Coding change: c.861-32_861-25del on transcript NM_015294.6 (MANE Select); 32 bases into the intron before coding-DNA position 861 through 25 bases into the intron before coding-DNA position 861, 8 bases deleted (CTTGGGAT; older notation c.861-32_861-25delCTTGGGAT).
Molecular consequence: intron variant.
Genome position (GRCh38, 1-based): chr17:59,062,673-59,062,680, ATCCCAAG deleted on the plus strand (CTTGGGAT on the coding strand, the reverse complement: TRIM37 is on the minus strand); deleting any 8 consecutive bases within chr17:59,062,673-59,062,683 gives the same sequence; the c. name uses the placement nearest the transcript's 3' end. VCF-style (leftmost placement, unchanged base first): chr17-59062672-AATCCCAAG-A. GRCh37 (hg19) VCF-style: chr17-57140033-AATCCCAAG-A.
Other names: p.?; c.861-32_861-25del (NM_001320989.3, NM_001005207.5, NM_001320988.3 and 1 more transcripts); c.399-32_399-25del (NM_001353085.2); c.759-32_759-25del (NM_001320987.3, NM_001353082.2); c.810-32_810-25del (NM_001353086.2); c.126-32_126-25del (NM_001353083.2); c.495-32_495-25del (NM_001320990.3).
Identifiers: ClinVar variation 4684241 (VCV004684241.1).

ClinVar aggregate classification (germline): Likely benign (1 of 4 stars; one submission).

Submission:

Mayo Clinic Laboratories, Mayo Clinic
Classification: Likely benign. Last evaluated: 2025-01-27. Review status: criteria provided, single submitter. Criteria: ACMG Guidelines, 2015. Collection method: clinical testing. Allele origin: germline. Observed: 2 variant alleles.
Comment: BS1, BP4, BP7